The following is an entry in ClinVar:

ClinVar aggregate classification (germline): Uncertain significance (1 of 4 stars; one submission).

Conditions:
Osteogenesis imperfecta type I (OI1). Also called: Osteogenesis imperfecta type 1; Classic Non-deforming Osteogenesis Imperfecta with Blue Sclerae; OI, TYPE I; OSTEOGENESIS IMPERFECTA TARDA; OSTEOGENESIS IMPERFECTA WITH BLUE SCLERAE; Lobstein's Disease. Identifiers: Orphanet 216796, Orphanet 666, MedGen C0023931, MONDO:0008146, OMIM 166200. Disease mechanism: loss of function.

Submission:

Labcorp Genetics (formerly Invitae), Labcorp
Classification: Uncertain significance for Osteogenesis imperfecta type I. Last evaluated: 2024-05-06. Review status: criteria provided, single submitter. Criteria: Invitae Variant Classification Sherloc (09022015). Collection method: clinical testing. Allele origin: germline.
Comment: This sequence change replaces alanine, which is neutral and non-polar, with serine, which is neutral and polar, at codon 1149 of the COL1A1 protein (p.Ala1149Ser). This variant is not present in population databases (gnomAD no frequency). This variant has not been reported in the literature in individuals affected with COL1A1-related conditions. ClinVar contains an entry for this variant (Variation ID: 1989071). Advanced modeling of protein sequence and biophysical properties (such as structural, functional, and spatial information, amino acid conservation, physicochemical variation, residue mobility, and thermodynamic stability) performed at Invitae indicates that this missense variant is not expected to disrupt COL1A1 protein function with a negative predictive value of 95%. In summary, the available evidence is currently insufficient to determine the role of this variant in disease. Therefore, it has been classified as a Variant of Uncertain Significance.

NM_000088.4(COL1A1):c.3445G>T (p.Ala1149Ser)

Gene: COL1A1 (collagen type I alpha 1 chain; minus strand). Cytogenetic location: 17q21.33.
Variant type: single nucleotide variant.
Coding change: c.3445G>T on transcript NM_000088.4 (MANE Select); coding-DNA position 3445, G replaced by T.
Protein change: p.Ala1149Ser; replaces alanine 1149 with serine.
Molecular consequence: missense variant.
Genome position (GRCh38, 1-based): chr17:50,187,101, C>A on the plus strand (G>T on the coding strand, the complement: COL1A1 is on the minus strand). VCF-style: chr17-50187101-C-A. GRCh37 (hg19) VCF-style: chr17-48264462-C-A.
Other names: short protein forms A1149S.
Identifiers: ClinVar variation 1989071 (VCV001989071.4), dbSNP rs1454333666, ClinGen allele CA400198932.